The following is an entry in ClinVar:

NM_001287.6(CLCN7):c.1614G>A (p.Ala538=)

Gene: CLCN7 (Cl-/H+ antiporter 7; minus strand). Cytogenetic location: 16p13.3.
Variant type: single nucleotide variant.
Coding change: c.1614G>A on transcript NM_001287.6 (MANE Select); coding-DNA position 1614, G replaced by A.
Protein change: p.Ala538=; no amino-acid change (alanine 538 retained).
Molecular consequence: synonymous variant.
Genome position (GRCh38, 1-based): chr16:1,450,500, C>T on the plus strand (G>A on the coding strand, the complement: CLCN7 is on the minus strand). VCF-style: chr16-1450500-C-T. GRCh37 (hg19) VCF-style: chr16-1500501-C-T.
Other names: p.Ala538=; c.1542G>A, p.Ala514= (NM_001114331.3).
Identifiers: ClinVar variation 257951 (VCV000257951.17), dbSNP rs117461525, ClinGen allele CA7810162.

ClinVar aggregate classification (germline): Benign. Review status: criteria provided, multiple submitters, no conflicts (2 of 4 stars). 6 submissions from 6 submitters: Benign (6). Last evaluated 2026-02-04.

Conditions:
Osteopetrosis. Identifiers: Orphanet 2781, MedGen C0029454, MONDO:0017198, HP:0011002.

Allele frequency attached by ClinVar (database versions not stated): gnomAD 0.06755 and 0.06889; ExAC 0.10679; 1000 Genomes Project 30x 0.03826; TOPMed 0.06963; ESP Exome Variant Server 0.07731; 1000 Genomes Project 0.03734; gnomAD exomes 0.06558.

Submissions (6):

Labcorp Genetics (formerly Invitae), Labcorp
Classification: Benign. Last evaluated: 2026-02-04. Review status: criteria provided, single submitter. Criteria: Invitae Variant Classification Sherloc (09022015). Collection method: clinical testing. Allele origin: germline.

Mayo Clinic Laboratories, Mayo Clinic
Classification: Benign. Last evaluated: 2022-09-06. Review status: criteria provided, single submitter. Criteria: ACMG Guidelines, 2015. Collection method: clinical testing. Allele origin: germline. Observed: 8 variant alleles.

GeneDx
Classification: Benign. Last evaluated: 2018-03-26. Review status: criteria provided, single submitter. Criteria: GeneDx Variant Classification (06012015). Collection method: clinical testing. Allele origin: germline. Affected: yes.
Comment: This variant is considered likely benign or benign based on one or more of the following criteria: it is a conservative change, it occurs at a poorly conserved position in the protein, it is predicted to be benign by multiple in silico algorithms, and/or has population frequency not consistent with disease.

Illumina Laboratory Services, Illumina
Classification: Benign for Osteopetrosis. Last evaluated: 2018-01-12. Review status: criteria provided, single submitter. Criteria: ICSL Variant Classification Criteria 13 December 2019. Collection method: clinical testing. Allele origin: germline.
Comment: This variant was observed in the ICSL laboratory as part of a predisposition screen in an ostensibly healthy population. It had not been previously curated by ICSL or reported in the Human Gene Mutation Database (HGMD: prior to June 1st, 2018), and was therefore a candidate for classification through an automated scoring system. Utilizing variant allele frequency, disease prevalence and penetrance estimates, and inheritance mode, an automated score was calculated to assess if this variant is too frequent to cause the disease. Based on the score and internal cut-off values, a variant classified as benign is not then subjected to further curation. The score for this variant resulted in a classification of benign for this disease.

Breakthrough Genomics
Classification: Benign. Review status: criteria provided, single submitter. Criteria: ACMG Guidelines, 2015. Collection method: not provided. Allele origin: germline. Inheritance: Autosomal recessive inheritance. Affected: yes.

PreventionGenetics, part of Exact Sciences
Classification: Benign. Review status: criteria provided, single submitter. Criteria: ACMG Guidelines, 2015. Collection method: clinical testing. Allele origin: germline.